The following is an entry in ClinVar:

ClinVar aggregate classification (germline): Uncertain significance (1 of 4 stars; one submission).

Submission:

Labcorp Genetics (formerly Invitae), Labcorp
Classification: Uncertain significance. Last evaluated: 2020-04-18. Review status: criteria provided, single submitter. Criteria: Invitae Variant Classification Sherloc (09022015). Collection method: clinical testing. Allele origin: germline.
Comment: In summary, the available evidence is currently insufficient to determine the role of this variant in disease. Therefore, it has been classified as a Variant of Uncertain Significance. This sequence change replaces cysteine with arginine at codon 654 of the ABCA4 protein (p.Cys654Arg). The cysteine residue is highly conserved and there is a large physicochemical difference between cysteine and arginine. This variant is not present in population databases (ExAC no frequency). This variant has been observed in individual(s) with clinical features of ABCA4-related conditions (Invitae). In at least one individual the data is consistent with the variant being in trans (on the opposite chromosome) from a pathogenic variant. Algorithms developed to predict the effect of missense changes on protein structure and function (SIFT, PolyPhen-2, Align-GVGD) all suggest that this variant is likely to be disruptive, but these predictions have not been confirmed by published functional studies and their clinical significance is uncertain.

NM_000350.3(ABCA4):c.1960T>C (p.Cys654Arg)

Gene: ABCA4 (ATP binding cassette subfamily A member 4; minus strand). Cytogenetic location: 1p22.1.
Variant type: single nucleotide variant.
Coding change: c.1960T>C on transcript NM_000350.3 (MANE Select); coding-DNA position 1960, T replaced by C.
Protein change: p.Cys654Arg; replaces cysteine 654 with arginine.
Molecular consequence: missense variant.
Genome position (GRCh38, 1-based): chr1:94,060,737, A>G on the plus strand (T>C on the coding strand, the complement: ABCA4 is on the minus strand). VCF-style: chr1-94060737-A-G. GRCh37 (hg19) VCF-style: chr1-94526293-A-G.
Other names: c.1960T>C, p.Cys654Arg (NM_001425324.1); short protein forms C654R.
Identifiers: ClinVar variation 1001802 (VCV001001802.9), dbSNP rs1661100332, ClinGen allele CA341278903.